The following is an entry in ClinVar:

NM_000038.6(APC):c.2023A>G (p.Thr675Ala)

Gene: APC (APC regulator of Wnt signaling pathway; plus strand). Cytogenetic location: 5q22.2.
Variant type: single nucleotide variant.
Coding change: c.2023A>G on transcript NM_000038.6 (MANE Select); coding-DNA position 2023, A replaced by G.
Protein change: p.Thr675Ala; replaces threonine 675 with alanine.
Molecular consequence: missense variant.
Genome position (GRCh38, 1-based): chr5:112,837,617, A>G. VCF-style: chr5-112837617-A-G. GRCh37 (hg19) VCF-style: chr5-112173314-A-G.
Other names: c.1846A>G, p.Thr616Ala (NM_001354901.2); c.1750A>G, p.Thr584Ala (NM_001354902.2); c.1720A>G, p.Thr574Ala (NM_001354903.2); c.1645A>G, p.Thr549Ala (NM_001354904.2); c.1543A>G, p.Thr515Ala (NM_001354905.2); c.1174A>G, p.Thr392Ala (NM_001354906.2); c.2023A>G, p.Thr675Ala (NM_001127510.3, NM_001354895.2); c.1969A>G, p.Thr657Ala (NM_001127511.3); and 5 more; short protein forms T657A, T675A, T634A, T647A, T574A, T650A, T515A, T693A.
Identifiers: ClinVar variation 489419 (VCV000489419.10), dbSNP rs1554083900, ClinGen allele CA16025743.

ClinVar aggregate classification (germline): Uncertain significance. Review status: criteria provided, multiple submitters, no conflicts (2 of 4 stars). 2 submissions from 2 submitters: Uncertain significance (2). Last evaluated 2021-11-03.

Conditions:
Hereditary cancer-predisposing syndrome. Also called: Hereditary Cancer Syndrome; Neoplastic Syndromes, Hereditary; Tumor predisposition; Hereditary neoplastic syndrome. Identifiers: Orphanet 140162, MedGen C0027672, MeSH D009386, MONDO:0015356.
Familial adenomatous polyposis 1 (FAP1). Also called: POLYPOSIS, ADENOMATOUS INTESTINAL; FAMILIAL ADENOMATOUS POLYPOSIS 1, ATTENUATED. Identifiers: MedGen C2713442, MONDO:0021056, OMIM 175100. Disease mechanism: loss of function.

Submissions (2):

Labcorp Genetics (formerly Invitae), Labcorp
Classification: Uncertain significance for Familial adenomatous polyposis 1. Last evaluated: 2021-11-03. Review status: criteria provided, single submitter. Criteria: Invitae Variant Classification Sherloc (09022015). Collection method: clinical testing. Allele origin: germline.
Comment: In summary, the available evidence is currently insufficient to determine the role of this variant in disease. Therefore, it has been classified as a Variant of Uncertain Significance. Algorithms developed to predict the effect of missense changes on protein structure and function (SIFT, PolyPhen-2, Align-GVGD) all suggest that this variant is likely to be disruptive. ClinVar contains an entry for this variant (Variation ID: 489419). This variant has not been reported in the literature in individuals affected with APC-related conditions. This variant is not present in population databases (gnomAD no frequency). This sequence change replaces threonine, which is neutral and polar, with alanine, which is neutral and non-polar, at codon 675 of the APC protein (p.Thr675Ala).

Color Diagnostics, LLC DBA Color Health
Classification: Uncertain significance for Hereditary cancer-predisposing syndrome. Last evaluated: 2019-02-11. Review status: criteria provided, single submitter. Criteria: ACMG Guidelines, 2015. Collection method: clinical testing. Allele origin: germline.